The following is an entry in ClinVar:

ClinVar aggregate classification (germline): Benign/Likely benign. Review status: criteria provided, multiple submitters, no conflicts (2 of 4 stars). 3 submissions from 3 submitters: Benign (1); Likely benign (2). Last evaluated 2026-09-01.

Conditions:
Cataract 21 multiple types. Also called: Cataract, congenital, cerulean type, 4; CATARACT 21, MULTIPLE TYPES, WITH MICROCORNEA; CATARACT 21, MULTIPLE TYPES, WITH OR WITHOUT MICROCORNEA; CATARACT 21, CERULEAN, WITH OR WITHOUT MICROCORNEA. Identifiers: Orphanet 91492, MedGen C1857768, MONDO:0012437, OMIM 610202.

Submissions (3):

CeGaT Center for Human Genetics Tuebingen
Classification: Benign. Last evaluated: 2026-09-01. Review status: criteria provided, single submitter. Criteria: CeGaT Center For Human Genetics Tuebingen Variant Classification Criteria Version 2. Collection method: clinical testing. Allele origin: germline. Affected: yes. Observed: 13 variant alleles.
Comment: MAF: BS1, BS2

Blueprint Genetics
Classification: Likely benign. Last evaluated: 2024-11-19. Review status: criteria provided, single submitter. Criteria: ACMG Guidelines, 2015. Collection method: clinical testing. Allele origin: germline.

Mendelics
Classification: Likely benign for Cataract 21 multiple types. Last evaluated: 2019-05-28. Review status: criteria provided, single submitter. Criteria: Mendelics Assertion Criteria 2017. Collection method: clinical testing. Allele origin: unknown.

NM_005360.5(MAF):c.-30GGC[4]

Gene: MAF (MAF bZIP transcription factor; minus strand). Cytogenetic location: 16q23.2.
Variant type: Microsatellite.
Coding change: c.-30GGC[4] on transcript NM_005360.5 (MANE Select); four copies in a row of the 3-base unit GGC starting at c.-30; the reference has eight copies in a row; four copies, 12 bases deleted.
Molecular consequence: 5 prime UTR variant.
Genome position (GRCh38, 1-based): chr16:79,599,909-79,599,920, GCCGCCGCCGCC deleted on the plus strand (GGCGGCGGCGGC on the coding strand, the reverse complement: MAF is on the minus strand); deleting any 12 consecutive bases within chr16:79,599,909-79,599,934 gives the same sequence; the position shown is the placement nearest the transcript's 3' end. VCF-style (leftmost placement, unchanged base first): chr16-79599908-TGCCGCCGCCGCC-T. GRCh37 (hg19) VCF-style: chr16-79633805-TGCCGCCGCCGCC-T.
Other names: c.-30GGC[4] (NM_001031804.3).
Identifiers: ClinVar variation 803278 (VCV000803278.27), dbSNP rs5818251, ClinGen allele CA8184117.